The following is an entry in ClinVar:

ClinVar aggregate classification (germline): Uncertain significance (1 of 4 stars; one submission).

Allele frequency attached by ClinVar (database versions not stated): gnomAD exomes 0.00001.

Submission:

GeneDx
Classification: Uncertain significance. Last evaluated: 2023-02-08. Review status: criteria provided, single submitter. Criteria: GeneDx Variant Classification Process June 2021. Collection method: clinical testing. Allele origin: germline. Affected: yes.
Comment: Not observed at significant frequency in large population cohorts (gnomAD); In silico analysis supports that this missense variant does not alter protein structure/function; Has not been previously published as pathogenic or benign to our knowledge

NM_014633.5(CTR9):c.2851G>A (p.Glu951Lys)

Gene: CTR9 (CTR9 homolog, Paf1/RNA polymerase II complex component; plus strand). Cytogenetic location: 11p15.4.
Variant type: single nucleotide variant.
Coding change: c.2851G>A on transcript NM_014633.5 (MANE Select); coding-DNA position 2851, G replaced by A.
Protein change: p.Glu951Lys; replaces glutamic acid 951 with lysine.
Molecular consequence: missense variant.
Genome position (GRCh38, 1-based): chr11:10,774,135, G>A. VCF-style: chr11-10774135-G-A. GRCh37 (hg19) VCF-style: chr11-10795682-G-A.
Other names: c.2779G>A, p.Glu927Lys (NM_001346279.2); short protein forms E927K, E951K.
Identifiers: ClinVar variation 2578038 (VCV002578038.1), dbSNP rs1863191421, ClinGen allele CA379677749.